The following is an entry in ClinVar:

NM_145038.5(DRC1):c.566del (p.Tyr189fs)

Gene: DRC1 (dynein regulatory complex subunit 1; plus strand). Cytogenetic location: 2p23.3.
Variant type: Deletion.
Coding change: c.566del on transcript NM_145038.5 (MANE Select); coding-DNA position 566, one base deleted (A; older notation c.566delA).
Protein change: p.Tyr189fs; shifts the reading frame from tyrosine 189.
Molecular consequence: frameshift variant.
Genome position (GRCh38, 1-based): chr2:26,429,653, A deleted. VCF-style (leftmost placement, unchanged base first): chr2-26429652-TA-T. GRCh37 (hg19) VCF-style: chr2-26652520-TA-T.
Other names: short protein forms Y189fs.
Identifiers: ClinVar variation 4884498 (VCV004884498.1).

ClinVar aggregate classification (germline): Pathogenic (1 of 4 stars; one submission).

Conditions:
Primary ciliary dyskinesia 21. Also called: CILIARY DYSKINESIA, PRIMARY, 21, WITHOUT SITUS INVERSUS. Identifiers: Orphanet 244, MedGen C3809087, MONDO:0014123, OMIM 615294.

Submission:

Diagnostics Services (NGS), CSIR - Centre For Cellular And Molecular Biology
Classification: Pathogenic for Primary ciliary dyskinesia 21. Last evaluated: 2026-07-27. Review status: criteria provided, single submitter. Criteria: ACMG Guidelines, 2015. Collection method: clinical testing. Allele origin: germline. Affected: yes. Observed: 1 variant allele, 1 homozygote.
Comment: The c.566del variant is not present in publicly available population databases like 1000 Genomes, EVS, gnomAD, Indian Exome Database or our internal database. This variant has not been published in the literature for DRC1-related conditions nor reported to clinical databases like Human Genome Mutation Databases (HGMD), ClinVar or OMIM, in any affected individuals. In-silico pathogenicity prediction programs like MutationTaster2021, CADD, Franklin, Varsome etc., predicted this variant to be likely deleterious. This variant causes frameshift at the 189th amino acid position of the wild-type transcript which creates a premature translational stop signal at the altered transcript that may either result in translation of a truncated protein or cause nonsense mediated decay of the mRNA. This variant has been classified 'Pathogenic' following PVS1, PM2 and PP4 criteria of ACMG guidelines.